The following is an entry in ClinVar:

ClinVar aggregate classification (germline): Uncertain significance (1 of 4 stars; one submission).

Conditions:
Long QT syndrome 1 (LQT1). Identifiers: Orphanet 101016, Orphanet 768, MedGen C4551647, MONDO:0100316, OMIM 192500, MONDO:0008646.

Allele frequency attached by ClinVar (database versions not stated): gnomAD exomes below 0.00001.

Submission:

Labcorp Genetics (formerly Invitae), Labcorp
Classification: Uncertain significance for Long QT syndrome 1. Last evaluated: 2020-11-24. Review status: criteria provided, single submitter. Criteria: Invitae Variant Classification Sherloc (09022015). Collection method: clinical testing. Allele origin: germline.
Comment: In summary, the available evidence is currently insufficient to determine the role of this variant in disease. Therefore, it has been classified as a Variant of Uncertain Significance. Algorithms developed to predict the effect of sequence changes on RNA splicing suggest that this variant may create or strengthen a splice site, but this prediction has not been confirmed by published transcriptional studies. Algorithms developed to predict the effect of missense changes on protein structure and function are either unavailable or do not agree on the potential impact of this missense change (SIFT: "Deleterious"; PolyPhen-2: "Benign"; Align-GVGD: "Class C15"). This variant has not been reported in the literature in individuals with CALM3-related conditions. This variant is not present in population databases (ExAC no frequency). This sequence change replaces aspartic acid with asparagine at codon 123 of the CALM3 protein (p.Asp123Asn). The aspartic acid residue is highly conserved and there is a small physicochemical difference between aspartic acid and asparagine.

NM_005184.4(CALM3):c.367G>A (p.Asp123Asn)

Gene: CALM3 (calmodulin 3; plus strand). Cytogenetic location: 19q13.32.
Variant type: single nucleotide variant.
Coding change: c.367G>A on transcript NM_005184.4 (MANE Select); coding-DNA position 367, G replaced by A.
Protein change: p.Asp123Asn; replaces aspartic acid 123 with asparagine.
Molecular consequence: missense variant.
Genome position (GRCh38, 1-based): chr19:46,608,927, G>A. VCF-style: chr19-46608927-G-A. GRCh37 (hg19) VCF-style: chr19-47112184-G-A.
Other names: c.259G>A, p.Asp87Asn (NM_001329921.1, NM_001329923.1, NM_001329924.2 and 2 more transcripts); c.367G>A, p.Asp123Asn (NM_001329922.1); short protein forms D123N, D87N.
Identifiers: ClinVar variation 1392516 (VCV001392516.8), dbSNP rs2122249867, ClinGen allele CA406473365.